The following is an entry in ClinVar:

NM_016343.4(CENPF):c.4804T>C (p.Tyr1602His)

Gene: CENPF (centromere protein F; plus strand). Cytogenetic location: 1q41.
Variant type: single nucleotide variant.
Coding change: c.4804T>C on transcript NM_016343.4 (MANE Select); coding-DNA position 4804, T replaced by C.
Protein change: p.Tyr1602His; replaces tyrosine 1602 with histidine.
Molecular consequence: missense variant.
Genome position (GRCh38, 1-based): chr1:214,643,142, T>C. VCF-style: chr1-214643142-T-C. GRCh37 (hg19) VCF-style: chr1-214816485-T-C.
Other names: short protein forms Y1602H.
Identifiers: ClinVar variation 2574262 (VCV002574262.1), dbSNP rs2528407721, ClinGen allele CA344837139.

ClinVar aggregate classification (germline): Uncertain significance (1 of 4 stars; one submission).

Submission:

GeneDx
Classification: Uncertain significance. Last evaluated: 2023-01-22. Review status: criteria provided, single submitter. Criteria: GeneDx Variant Classification Process June 2021. Collection method: clinical testing. Allele origin: germline. Affected: yes.
Comment: Not observed at significant frequency in large population cohorts (gnomAD); In silico analysis supports that this missense variant does not alter protein structure/function; Has not been previously published as pathogenic or benign to our knowledge